The following is an entry in ClinVar:

NM_007294.4(BRCA1):c.914G>A (p.Cys305Tyr)

Gene: BRCA1 (BRCA1 DNA repair associated; minus strand). Cytogenetic location: 17q21.31.
Variant type: single nucleotide variant.
Coding change: c.914G>A on transcript NM_007294.4 (MANE Select); coding-DNA position 914, G replaced by A.
Protein change: p.Cys305Tyr; replaces cysteine 305 with tyrosine.
Molecular consequence: missense variant. On other transcripts: intron variant (137).
Genome position (GRCh38, 1-based): chr17:43,094,617, C>T on the plus strand (G>A on the coding strand, the complement: BRCA1 is on the minus strand). VCF-style: chr17-43094617-C-T. GRCh37 (hg19) VCF-style: chr17-41246634-C-T.
Other names: c.701G>A, p.Cys234Tyr (NM_001407571.1, NM_001407853.1, NM_001407894.1 and 9 more transcripts); c.914G>A, p.Cys305Tyr (NM_001407581.1, NM_001407582.1, NM_001407583.1 and 30 more transcripts); c.911G>A, p.Cys304Tyr (NM_001407587.1, NM_001407590.1, NM_001407591.1 and 22 more transcripts); c.905G>A, p.Cys302Tyr (NM_001407646.1, NM_001407647.1); c.791G>A, p.Cys264Tyr (NM_001407648.1, NM_001407664.1, NM_001407665.1 and 19 more transcripts); c.788G>A, p.Cys263Tyr (NM_001407649.1, NM_001407670.1, NM_001407671.1 and 11 more transcripts); c.836G>A, p.Cys279Tyr (NM_001407653.1, NM_001407654.1, NM_001407655.1 and 4 more transcripts); c.833G>A, p.Cys278Tyr (NM_001407659.1, NM_001407660.1, NM_001407661.1 and 1 more transcripts); and 40 more; short protein forms C305Y, C258Y, C178Y, C216Y, C234Y, C237Y, C279Y, C304Y.
Identifiers: ClinVar variation 229918 (VCV000229918.20), dbSNP rs751124745, ClinGen allele CA10580687.

ClinVar aggregate classification (germline): Conflicting classifications of pathogenicity. Review status: criteria provided, conflicting classifications (1 of 4 stars). 5 submissions from 5 submitters: Uncertain significance (3); Likely benign (2). Last evaluated 2025-10-17.

Conditions:
Hereditary cancer-predisposing syndrome. Also called: Hereditary neoplastic syndrome; Hereditary Cancer Syndrome; Neoplastic Syndromes, Hereditary; Tumor predisposition. Identifiers: Orphanet 140162, MedGen C0027672, MeSH D009386, MONDO:0015356.
Familial cancer of breast. Also called: Hereditary breast cancer; BREAST CANCER, FAMILIAL; hereditary breast carcinoma. Identifiers: Orphanet 227535, MedGen C0346153, MONDO:0016419, OMIM 114480. Disease mechanism: loss of function.
Hereditary breast ovarian cancer syndrome. Also called: Hereditary breast and ovarian cancer syndrome; Hereditary breast and ovarian cancer syndrome (HBOC); Breast and ovarian cancer; Hereditary breast and/or ovarian cancer syndrome; Hereditary breast and ovarian cancer; BRCA1- and BRCA2-Associated Hereditary Breast and Ovarian Cancer. Identifiers: Orphanet 145, MedGen C0677776, MeSH D061325, MONDO:0003582. Disease mechanism: loss of function.

gnomAD v4.1: 1 of 1,614,146 alleles (0.000062%); highest among the groups gnomAD compares: Non-Finnish European, 0.000085%; no homozygotes.

Submissions (5):

Ambry Genetics
Classification: Uncertain significance for Hereditary cancer-predisposing syndrome. Last evaluated: 2025-10-17. Review status: criteria provided, single submitter. Criteria: Ambry Variant Classification Scheme 2023. Collection method: clinical testing. Allele origin: germline.
Comment: The p.C305Y variant (also known as c.914G>A and 1033G>A), located in coding exon 9 of the BRCA1 gene, results from a G to A substitution at nucleotide position 914. The cysteine at codon 305 is replaced by tyrosine, an amino acid with highly dissimilar properties. This amino acid position is well conserved in available vertebrate species. In addition, this alteration is predicted to be deleterious by in silico analysis. Based on the available evidence, the clinical significance of this variant remains unclear.

Department of Clinical Genetics, Copenhagen University Hospital, Rigshospitalet
Classification: Likely benign for Familial cancer of breast. Last evaluated: 2025-10-10. Review status: criteria provided, single submitter. Criteria: ACMG Guidelines, 2015. Collection method: clinical testing. Allele origin: germline.
Comment: The following ACMG criteria has been used: PM2_SUP (gnomAD v.3.1 - non-cancer); BP1_Strong

Labcorp Genetics (formerly Invitae), Labcorp
Classification: Uncertain significance for Hereditary breast ovarian cancer syndrome. Last evaluated: 2025-04-02. Review status: criteria provided, single submitter. Criteria: Invitae Variant Classification Sherloc (09022015). Collection method: clinical testing. Allele origin: germline.
Comment: This sequence change replaces cysteine, which is neutral and slightly polar, with tyrosine, which is neutral and polar, at codon 305 of the BRCA1 protein (p.Cys305Tyr). This variant is not present in population databases (gnomAD no frequency). This variant has not been reported in the literature in individuals affected with BRCA1-related conditions. ClinVar contains an entry for this variant (Variation ID: 229918). Invitae Evidence Modeling of protein sequence and biophysical properties (such as structural, functional, and spatial information, amino acid conservation, physicochemical variation, residue mobility, and thermodynamic stability) indicates that this missense variant is not expected to disrupt BRCA1 protein function with a negative predictive value of 80%. In summary, the available evidence is currently insufficient to determine the role of this variant in disease. Therefore, it has been classified as a Variant of Uncertain Significance.

University of Washington Department of Laboratory Medicine, University of Washington
Classification: Likely benign for Hereditary cancer-predisposing syndrome. Last evaluated: 2023-03-23. Review status: criteria provided, single submitter. Criteria: Dines et al. (Genet Med. 2020). Collection method: curation. Allele origin: germline.
Comment: Missense variant in a coldspot region where missense variants are very unlikely to be pathogenic (PMID:31911673).

BRCA1 coldspot (exon 11 using historical exon numbering). Reclassification based on statistical prior probability

Women's Health and Genetics/Laboratory Corporation of America, LabCorp
Classification: Uncertain significance. Last evaluated: 2019-02-22. Review status: criteria provided, single submitter. Criteria: LabCorp Variant Classification Summary - May 2015. Collection method: clinical testing. Allele origin: germline.
Comment: Variant summary: BRCA1 c.914G>A (p.Cys305Tyr) results in a non-conservative amino acid change in the encoded protein sequence. Four of five in-silico tools predict a damaging effect of the variant on protein function. The variant was absent in 246060 control chromosomes (gnomAD). The available data on variant occurrences in the general population are insufficient to allow any conclusion about variant significance. To our knowledge, no occurrence of c.914G>A in individuals affected with Hereditary Breast and Ovarian Cancer and no experimental evidence demonstrating its impact on protein function have been reported. Two ClinVar submissions from clinical diagnostic laboratories (evaluation after 2014) cite the variant as uncertain significance . Based on the evidence outlined above, the variant was classified as uncertain significance.